The following is an entry in ClinVar:

NM_001100420.2(C21orf91):c.114G>A (p.Glu38=)

Gene: C21orf91 (chromosome 21 open reading frame 91; minus strand). Cytogenetic location: 21q21.1.
Variant type: single nucleotide variant.
Coding change: c.114G>A on transcript NM_001100420.2 (MANE Select); coding-DNA position 114, G replaced by A.
Protein change: p.Glu38=; no amino-acid change (glutamic acid 38 retained).
Molecular consequence: synonymous variant.
Genome position (GRCh38, 1-based): chr21:17,818,205, C>T on the plus strand (G>A on the coding strand, the complement: C21orf91 is on the minus strand). VCF-style: chr21-17818205-C-T. GRCh37 (hg19) VCF-style: chr21-19190522-C-T.
Other names: c.114G>A, p.Glu38= (NM_001100421.2, NM_017447.4).
Identifiers: ClinVar variation 4681773 (VCV004681773.5).
Genomic context (GRCh38, chr21:17,818,205, plus strand): 5'-CTGTGTTAAATTCATTCCATAAGATCAAAACTATACTGTGTCCTTACCCTCAATATTTAG[C>T]TCAAAACAAATGTGGCAGAAGGAGAGTGTTTCTTTGTCTGTTCCCAGTTTACAAACACTG-3'
Protein context (NP_001093890.1, residues 28-48): ETLSFCHICF[Glu38=]LNIEGVPKSD

ClinVar aggregate classification (germline): Likely benign (1 of 4 stars; one submission).

gnomAD v4.1: 1 of 1,610,472 alleles (0.000062%); highest among the groups gnomAD compares: Non-Finnish European, 0.000085%; no homozygotes.

Submission:

CeGaT Center for Human Genetics Tuebingen
Classification: Likely benign. Last evaluated: 2025-12-01. Review status: criteria provided, single submitter. Criteria: CeGaT Center For Human Genetics Tuebingen Variant Classification Criteria Version 2. Collection method: clinical testing. Allele origin: germline. Affected: yes. Observed: 1 variant allele.
Comment: C21orf91: BP4, BP7